The following is an entry in ClinVar:

ClinVar aggregate classification (germline): Pathogenic (1 of 4 stars; one submission).

Conditions:
Kartagener syndrome (CILD1). Also called: CILIARY DYSKINESIA, PRIMARY, 1; CILIARY DYSKINESIA, PRIMARY, 1, WITH OR WITHOUT SITUS INVERSUS; IMMOTILE CILIA SYNDROME; POLYNESIAN BRONCHIECTASIS; Dextrocardia bronchiectasis and sinusitis; SIEWERT SYNDROME. Identifiers: Orphanet 244, MedGen C4551906, MONDO:0009484, OMIM 244400.

Submission:

Myriad Genetics, Inc.
Classification: Pathogenic for Kartagener syndrome. Last evaluated: 2025-05-17. Review status: criteria provided, single submitter. Criteria: Myriad Autosomal Dominant, Autosomal Recessive and X-Linked Classification Criteria (2023). Collection method: clinical testing. Allele origin: unknown.
Comment: NM_012144.2(DNAI1):c.1394_1395delTC(L465Rfs*24) is expected to be pathogenic in the context of primary ciliary dyskinesia, DNAI1-related. This variant is predicted to lead to an abnormal or absent protein product due to the creation of a premature termination codon in DNAI1, a gene where loss-of-function variants are known to be pathogenic. Please note: this variant was assessed in the context of healthy population screening.

NM_012144.4(DNAI1):c.1394_1395del (p.Leu465fs)

Gene: DNAI1 (dynein axonemal intermediate chain 1; plus strand). Cytogenetic location: 9p13.3.
Variant type: Microsatellite.
Coding change: c.1394_1395del on transcript NM_012144.4 (MANE Select); coding-DNA positions 1394 to 1395, 2 bases deleted (TC; older notation c.1394_1395delTC).
Protein change: p.Leu465fs; shifts the reading frame from leucine 465.
Molecular consequence: frameshift variant.
Genome position (GRCh38, 1-based): chr9:34,512,191-34,512,192, TC deleted; deleting any 2 consecutive bases within chr9:34,512,188-34,512,192 gives the same sequence; the c. name uses the placement nearest the transcript's 3' end. VCF-style (leftmost placement, unchanged base first): chr9-34512187-ACT-A. GRCh37 (hg19) VCF-style: chr9-34512185-ACT-A.
Other names: c.1406_1407del, p.Leu469fs (NM_001281428.2); short protein forms L465fs, L469fs.
Identifiers: ClinVar variation 5014461 (VCV005014461.1).